The following is an entry in ClinVar:

ClinVar aggregate classification (germline): Uncertain significance (1 of 4 stars; one submission).

Conditions:
Inborn genetic diseases. Identifiers: MedGen C0950123, MeSH D030342.

gnomAD v4.1: 17 of 1,613,400 alleles (0.0011%); highest among the groups gnomAD compares: Non-Finnish European, 0.0014%; no homozygotes.

Submission:

Ambry Genetics
Classification: Uncertain significance for Inborn genetic diseases. Last evaluated: 2024-11-23. Review status: criteria provided, single submitter. Criteria: Ambry Variant Classification Scheme 2023. Collection method: clinical testing. Allele origin: germline.
Comment: The p.S602A variant (also known as c.1804T>G), located in coding exon 1 of the SAMD9 gene, results from a T to G substitution at nucleotide position 1804. The serine at codon 602 is replaced by alanine, an amino acid with similar properties. This amino acid position is conserved. In addition, this alteration is predicted to be tolerated by in silico analysis. Based on the available evidence, the clinical significance of this variant remains unclear.

NM_017654.4(SAMD9):c.1804T>G (p.Ser602Ala)

Gene: SAMD9 (sterile alpha motif domain containing 9; minus strand). Cytogenetic location: 7q21.2.
Variant type: single nucleotide variant.
Coding change: c.1804T>G on transcript NM_017654.4 (MANE Select); coding-DNA position 1804, T replaced by G.
Protein change: p.Ser602Ala; replaces serine 602 with alanine.
Molecular consequence: missense variant.
Genome position (GRCh38, 1-based): chr7:93,104,294, A>C on the plus strand (T>G on the coding strand, the complement: SAMD9 is on the minus strand). VCF-style: chr7-93104294-A-C. GRCh37 (hg19) VCF-style: chr7-92733607-A-C.
Other names: c.1804T>G, p.Ser602Ala (NM_001193307.2); short protein forms S602A.
Identifiers: ClinVar variation 3437026 (VCV003437026.1).